The following is an entry in ClinVar:

ClinVar aggregate classification (germline): Uncertain significance (1 of 4 stars; one submission).

Conditions:
Inborn genetic diseases. Identifiers: MedGen C0950123, MeSH D030342.

gnomAD v4.1: 4 of 1,611,500 alleles (0.00025%); highest among the groups gnomAD compares: Non-Finnish European, 0.00034%; no homozygotes.

Submission:

Ambry Genetics
Classification: Uncertain significance for Inborn genetic diseases. Last evaluated: 2024-11-26. Review status: criteria provided, single submitter. Criteria: Ambry Variant Classification Scheme 2023. Collection method: clinical testing. Allele origin: germline.
Comment: The p.F676V variant (also known as c.2026T>G) is located in coding exon 23 of the RTEL1 gene. The phenylalanine at codon 676 is replaced by valine, an amino acid with highly similar properties. This change occurs in the first base pair of coding exon 23. This amino acid position is conserved. In addition, the in silico prediction for this alteration is inconclusive. Based on the available evidence, the clinical significance of this variant remains unclear.

NM_001283009.2(RTEL1):c.2026T>G (p.Phe676Val)

Genes: RTEL1 (regulator of telomere elongation helicase 1; plus strand), RTEL1-TNFRSF6B (RTEL1-TNFRSF6B readthrough (NMD candidate); plus strand). Cytogenetic location: 20q13.33.
Variant type: single nucleotide variant.
Coding change: c.2026T>G on transcript NM_001283009.2 (MANE Select); coding-DNA position 2026, T replaced by G.
Protein change: p.Phe676Val; replaces phenylalanine 676 with valine.
Molecular consequence: missense variant. On other transcripts: non-coding transcript variant (1).
Genome position (GRCh38, 1-based): chr20:63,689,750, T>G. VCF-style: chr20-63689750-T-G. GRCh37 (hg19) VCF-style: chr20-62321103-T-G.
Other names: c.1357T>G, p.Phe453Val (NM_001283010.1); c.2026T>G, p.Phe676Val (NM_016434.4); c.2098T>G, p.Phe700Val (NM_032957.5); short protein forms F453V, F676V, F700V.
Identifiers: ClinVar variation 3435985 (VCV003435985.1).